The following is an entry in ClinVar:

ClinVar aggregate classification (germline): Benign/Likely benign. Review status: criteria provided, multiple submitters, no conflicts (2 of 4 stars). 2 submissions from 2 submitters: Benign (1); Likely benign (1). Last evaluated 2025-03-11.

Conditions:
Hereditary cancer-predisposing syndrome. Also called: Tumor predisposition; Hereditary neoplastic syndrome; Neoplastic Syndromes, Hereditary; Hereditary Cancer Syndrome. Identifiers: Orphanet 140162, MedGen C0027672, MeSH D009386, MONDO:0015356.
Pheochromocytoma/paraganglioma syndrome 5. Also called: Paragangliomas 5; SDHA-Related Hereditary Paraganglioma-Pheochromocytoma Syndrome. Identifiers: Orphanet 29072, MedGen C3279992, MONDO:0013602, OMIM 614165.

Submissions (2):

Myriad Genetics, Inc.
Classification: Benign for Pheochromocytoma/paraganglioma syndrome 5. Last evaluated: 2025-03-11. Review status: criteria provided, single submitter. Criteria: Myriad Autosomal Dominant, Autosomal Recessive and X-Linked Classification Criteria (2023). Collection method: clinical testing. Allele origin: unknown.
Comment: This variant is considered benign. This variant is a silent/synonymous amino acid change and it is not expected to impact splicing.

Ambry Genetics
Classification: Likely benign for Hereditary cancer-predisposing syndrome. Last evaluated: 2018-02-27. Review status: criteria provided, single submitter. Criteria: Ambry Variant Classification Scheme 2023. Collection method: clinical testing. Allele origin: germline.

NM_004168.4(SDHA):c.1881G>A (p.Leu627=)

Gene: SDHA (succinate dehydrogenase complex flavoprotein subunit A; plus strand). Cytogenetic location: 5p15.33.
Variant type: single nucleotide variant.
Coding change: c.1881G>A on transcript NM_004168.4 (MANE Select); coding-DNA position 1881, G replaced by A.
Protein change: p.Leu627=; no amino-acid change (leucine 627 retained).
Molecular consequence: synonymous variant.
Genome position (GRCh38, 1-based): chr5:254,479, G>A. VCF-style: chr5-254479-G-A. GRCh37 (hg19) VCF-style: chr5-254594-G-A.
Other names: c.1737G>A, p.Leu579= (NM_001294332.2); c.1638G>A, p.Leu546= (NM_001330758.2).
Identifiers: ClinVar variation 820246 (VCV000820246.5), dbSNP rs1390181757, ClinGen allele CA359002117.